The following is an entry in ClinVar:

NM_005413.4(SIX3):c.935A>G (p.Glu312Gly)

Gene: SIX3 (SIX homeobox 3; plus strand). Cytogenetic location: 2p21.
Variant type: single nucleotide variant.
Coding change: c.935A>G on transcript NM_005413.4 (MANE Select); coding-DNA position 935, A replaced by G.
Protein change: p.Glu312Gly; replaces glutamic acid 312 with glycine.
Molecular consequence: missense variant.
Genome position (GRCh38, 1-based): chr2:44,944,696, A>G. VCF-style: chr2-44944696-A-G. GRCh37 (hg19) VCF-style: chr2-45171835-A-G.
Other names: short protein forms E312G.
Identifiers: ClinVar variation 3683333 (VCV003683333.2).

ClinVar aggregate classification (germline): Uncertain significance (1 of 4 stars; one submission).

Conditions:
Holoprosencephaly 2 (HPE2). Identifiers: Orphanet 2162, MedGen C1834877, MONDO:0007999, OMIM 157170.

Submission:

Labcorp Genetics (formerly Invitae), Labcorp
Classification: Uncertain significance for Holoprosencephaly 2. Last evaluated: 2024-01-31. Review status: criteria provided, single submitter. Criteria: Invitae Variant Classification Sherloc (09022015). Collection method: clinical testing. Allele origin: germline.
Comment: This sequence change replaces glutamic acid, which is acidic and polar, with glycine, which is neutral and non-polar, at codon 312 of the SIX3 protein (p.Glu312Gly). This variant is not present in population databases (gnomAD no frequency). This variant has not been reported in the literature in individuals affected with SIX3-related conditions. An algorithm developed to predict the effect of missense changes on protein structure and function (PolyPhen-2) suggests that this variant is likely to be disruptive. In summary, the available evidence is currently insufficient to determine the role of this variant in disease. Therefore, it has been classified as a Variant of Uncertain Significance.